The following is an entry in ClinVar:

NM_002585.4(PBX1):c.422C>G (p.Ser141Ter)

Gene: PBX1 (PBX homeobox 1; plus strand). Cytogenetic location: 1q23.3.
Variant type: single nucleotide variant.
Coding change: c.422C>G on transcript NM_002585.4 (MANE Select); coding-DNA position 422, C replaced by G.
Protein change: p.Ser141Ter; replaces serine 141 with a stop codon.
Molecular consequence: nonsense.
Genome position (GRCh38, 1-based): chr1:164,792,650, C>G. VCF-style: chr1-164792650-C-G. GRCh37 (hg19) VCF-style: chr1-164761887-C-G.
Other names: c.422C>G, p.Ser141Ter (NM_001204961.2, NM_001204963.2, NM_001353131.2); c.173C>G, p.Ser58Ter (NM_001353130.1); short protein forms S141*, S58*.
Identifiers: ClinVar variation 620254 (VCV000620254.1), dbSNP rs866426234, ClinGen allele CA343469955.

ClinVar aggregate classification (germline): Pathogenic (1 of 4 stars; one submission).

Submission:

GeneDx
Classification: Pathogenic. Last evaluated: 2018-07-06. Review status: criteria provided, single submitter. Criteria: GeneDx Variant Classification (06012015). Collection method: clinical testing. Allele origin: germline. Affected: yes.
Comment: The S141X variant in the PBX1 gene has not been reported previously as a pathogenic variant nor as a benign variant, to our knowledge. This variant is predicted to cause loss of normal protein function either through protein truncation or nonsense-mediated mRNA decay. The S141X variant is not observed in large population cohorts (Lek et al., 2016). We interpret S141X as a pathogenic variant.